The following is an entry in ClinVar:

ClinVar aggregate classification (germline): Pathogenic/Likely pathogenic. Review status: criteria provided, multiple submitters, no conflicts (2 of 4 stars). 2 submissions from 2 submitters: Pathogenic (1); Likely pathogenic (1). Last evaluated 2019-07-06.

Conditions:
Maturity-onset diabetes of the young (MODY). Also called: Maturity onset diabetes mellitus in young. Identifiers: Orphanet 552, MedGen C0342276, MONDO:0018911, HP:0004904.
Renal cysts and diabetes syndrome (RCAD). Also called: Familial hypoplastic, glomerulocystic kidney; MATURITY-ONSET DIABETES OF THE YOUNG, TYPE 5. Identifiers: Orphanet 93111, MedGen C0431693, MONDO:0007669, OMIM 137920.

Submissions (2):

Institute of Human Genetics, FAU Erlangen, Friedrich-Alexander-Universität Erlangen-Nürnberg
Classification: Pathogenic for Renal cysts and diabetes syndrome. Last evaluated: 2019-07-06. Review status: criteria provided, single submitter. Criteria: ACMG Guidelines, 2015. Collection method: literature only. Allele origin: germline. Affected: yes.
Comment: This variant and it's classification has been reported by Vasileiou et al. 2019; DOI:10.1101/576918. The variants has previously been reported in PMID:25700310; PMID:15930087; PMID:25536396 as "c.840dupC, c.1034_1035delC; c.840dupC" with clinical significance Pathogenic. It has been re-classified using InterVar and manual curation as Pathogenic based on PVS1 PM2 PP3.

Clinical Genomics, Uppaluri K&H Personalized Medicine Clinic
Classification: Likely pathogenic for Maturity-onset diabetes of the young. Review status: criteria provided, single submitter. Criteria: K & H Uppaluri Personalized Medicine Clinic Variant Classification & Assertion Criteria_Updated V.1. Collection method: research. Allele origin: unknown. Inheritance: Autosomal dominant inheritance.
Comment: HNF1B gene mutations are associated with early onset diabetes and pancreatic atrophy. It is also associated with multiple renal manifestations including renal cysts, Tubulointerstitial disease, glomerulocystic disease, renal hypoplasia, hypomagnesemia. However no sufficient evidence is found to ascertain the role of this particular variant rs1598841082, yet.

Literature cited by the submitters: PubMed 25700310 (cited by Institute of Human Genetics, FAU Erlangen, Friedrich-Alexander-Universität Erlangen-Nürnberg); PubMed 15930087 (cited by Institute of Human Genetics, FAU Erlangen, Friedrich-Alexander-Universität Erlangen-Nürnberg); PubMed 25536396 (cited by Institute of Human Genetics, FAU Erlangen, Friedrich-Alexander-Universität Erlangen-Nürnberg and Clinical Genomics, Uppaluri K&H Personalized Medicine Clinic); DOI 10.1101/576918 (cited by Institute of Human Genetics, FAU Erlangen, Friedrich-Alexander-Universität Erlangen-Nürnberg); PubMed 24897035 (cited by Clinical Genomics, Uppaluri K&H Personalized Medicine Clinic); PubMed 27615128 (cited by Clinical Genomics, Uppaluri K&H Personalized Medicine Clinic); PubMed 28215227 (cited by Clinical Genomics, Uppaluri K&H Personalized Medicine Clinic); PubMed 33434175 (cited by Clinical Genomics, Uppaluri K&H Personalized Medicine Clinic); PubMed 25741167 (cited by Clinical Genomics, Uppaluri K&H Personalized Medicine Clinic); PubMed 26340261 (cited by Clinical Genomics, Uppaluri K&H Personalized Medicine Clinic); PubMed 19639018 (cited by Clinical Genomics, Uppaluri K&H Personalized Medicine Clinic).

NM_000458.4(HNF1B):c.840dup (p.Ser281fs)

Gene: HNF1B (HNF1 homeobox B; minus strand). Cytogenetic location: 17q12.
Variant type: Duplication.
Coding change: c.840dup on transcript NM_000458.4 (MANE Select); coding-DNA position 840, one base duplicated (C; older notation c.840dupC).
Protein change: p.Ser281fs; shifts the reading frame from serine 281.
Molecular consequence: frameshift variant.
Genome position (GRCh38, 1-based): chr17:37,731,800, G duplicated on the plus strand (C on the coding strand, the reverse complement: HNF1B is on the minus strand); the first of 5 consecutive G bases (chr17:37,731,800-37,731,804); duplicating any one gives the same sequence. VCF-style (leftmost placement, unchanged base first): chr17-37731799-A-AG. GRCh37 (hg19) VCF-style: chr17-36091790-A-AG.
Other names: c.762dup, p.Ser255fs (NM_001165923.4, NM_001304286.2); short protein forms S255fs, S281fs.
Identifiers: ClinVar variation 635639 (VCV000635639.5), dbSNP rs1598841082, ClinGen allele CA913190776.